The following is an entry in ClinVar:

NM_004519.4(KCNQ3):c.1817C>T (p.Ala606Val)

Gene: KCNQ3 (potassium voltage-gated channel subfamily Q member 3; minus strand). Cytogenetic location: 8q24.22.
Variant type: single nucleotide variant.
Coding change: c.1817C>T on transcript NM_004519.4 (MANE Select); coding-DNA position 1817, C replaced by T.
Protein change: p.Ala606Val; replaces alanine 606 with valine.
Molecular consequence: missense variant.
Genome position (GRCh38, 1-based): chr8:132,132,247, G>A on the plus strand (C>T on the coding strand, the complement: KCNQ3 is on the minus strand). VCF-style: chr8-132132247-G-A. GRCh37 (hg19) VCF-style: chr8-133144494-G-A.
Other names: c.1457C>T, p.Ala486Val (NM_001204824.2); short protein forms A486V, A606V.
Identifiers: ClinVar variation 4532399 (VCV004532399.2).

ClinVar aggregate classification (germline): Uncertain significance (1 of 4 stars; one submission).

Submission:

GeneDx
Classification: Uncertain significance. Last evaluated: 2026-05-14. Review status: criteria provided, single submitter. Criteria: GeneDx Variant Classification Process June 2021. Collection method: clinical testing. Allele origin: germline.
Comment: Not observed at significant frequency in large population cohorts (gnomAD); In silico analysis suggests that this missense variant does not alter protein structure/function; Has not been previously published as pathogenic or benign to our knowledge